The following is an entry in ClinVar:

NM_001170700.3(DTHD1):c.2462C>T (p.Ser821Phe)

Gene: DTHD1 (death domain containing 1; plus strand). Cytogenetic location: 4p14.
Variant type: single nucleotide variant.
Coding change: c.2462C>T on transcript NM_001170700.3 (MANE Select); coding-DNA position 2462, C replaced by T.
Protein change: p.Ser821Phe; replaces serine 821 with phenylalanine.
Molecular consequence: missense variant. On other transcripts: non-coding transcript variant (2).
Genome position (GRCh38, 1-based): chr4:36,343,565, C>T. VCF-style: chr4-36343565-C-T. GRCh37 (hg19) VCF-style: chr4-36345187-C-T.
Other names: c.1592C>T, p.Ser531Phe (NM_001136536.5); c.1471C>T, p.Leu491Phe (NM_001378435.1); short protein forms L491F, S531F, S821F.
Identifiers: ClinVar variation 2752572 (VCV002752572.3), dbSNP rs1298420227, ClinGen allele CA356682153.

ClinVar aggregate classification (germline): Uncertain significance (1 of 4 stars; one submission).

Submission:

Labcorp Genetics (formerly Invitae), Labcorp
Classification: Uncertain significance. Last evaluated: 2023-08-14. Review status: criteria provided, single submitter. Criteria: Invitae Variant Classification Sherloc (09022015). Collection method: clinical testing. Allele origin: germline.
Comment: This sequence change replaces serine, which is neutral and polar, with phenylalanine, which is neutral and non-polar, at codon 531 of the DTHD1 protein (p.Ser531Phe). This variant is not present in population databases (gnomAD no frequency). This variant has not been reported in the literature in individuals affected with DTHD1-related conditions. An algorithm developed to predict the effect of missense changes on protein structure and function (PolyPhen-2) suggests that this variant is likely to be tolerated. In summary, the available evidence is currently insufficient to determine the role of this variant in disease. Therefore, it has been classified as a Variant of Uncertain Significance.